The following is an entry in ClinVar:

NM_207122.2(EXT2):c.1005A>G (p.Leu335=)

Gene: EXT2 (exostosin glycosyltransferase 2; plus strand). Cytogenetic location: 11p11.2.
Variant type: single nucleotide variant.
Coding change: c.1005A>G on transcript NM_207122.2 (MANE Select); coding-DNA position 1005, A replaced by G.
Protein change: p.Leu335=; no amino-acid change (leucine 335 retained).
Molecular consequence: synonymous variant.
Genome position (GRCh38, 1-based): chr11:44,126,881, A>G. VCF-style: chr11-44126881-A-G. GRCh37 (hg19) VCF-style: chr11-44148431-A-G.
Other names: c.1104A>G, p.Leu368= (NM_000401.3); c.1005A>G, p.Leu335= (NM_001178083.3, NM_001389628.1, NM_001389630.1).
Identifiers: ClinVar variation 772105 (VCV000772105.14), dbSNP rs141977888, ClinGen allele CA5955075.

ClinVar aggregate classification (germline): Benign/Likely benign. Review status: criteria provided, multiple submitters, no conflicts (2 of 4 stars). 3 submissions from 3 submitters: Benign (1); Likely benign (1). 1 of the submissions does not count toward it. Last evaluated 2025-11-10.

Conditions:
EXT2-related disorder. Also called: EXT2-related condition.
Exostoses, multiple, type 2 (EXT2). Also called: Hereditary Multiple Osteochondromatosis, Type II; EXOSTOSES, MULTIPLE, TYPE II. Identifiers: Orphanet 321, MedGen C1851413, MONDO:0007586, OMIM 133701.

Allele frequency attached by ClinVar (database versions not stated): gnomAD exomes 0.00006 and 0.00021; ExAC 0.00020; gnomAD 0.00058 and 0.00060; TOPMed 0.00061; ESP Exome Variant Server 0.00085; 1000 Genomes Project 0.00100; 1000 Genomes Project 30x 0.00156.
gnomAD v4.1: 175 of 1,614,154 alleles (0.011%); highest among the groups gnomAD compares: African/African-American, 0.18%; no homozygotes.

Submissions (3):

Labcorp Genetics (formerly Invitae), Labcorp
Classification: Benign for Exostoses, multiple, type 2. Last evaluated: 2025-11-10. Review status: criteria provided, single submitter. Criteria: Invitae Variant Classification Sherloc (09022015). Collection method: clinical testing. Allele origin: germline.

Blueprint Genetics
Classification: Likely benign. Last evaluated: 2023-10-17. Review status: criteria provided, single submitter. Criteria: ACMG Guidelines, 2015. Collection method: clinical testing. Allele origin: germline.

PreventionGenetics, part of Exact Sciences
Classification: Likely benign for EXT2-related condition. Last evaluated: 2019-08-16. Review status: no assertion criteria provided. Collection method: clinical testing. Allele origin: germline. Not counted in ClinVar's aggregate classification.
Comment: This variant is classified as likely benign based on ACMG/AMP sequence variant interpretation guidelines (Richards et al. 2015 PMID: 25741868, with internal and published modifications).